The following is an entry in ClinVar:

NM_138694.4(PKHD1):c.2140G>T (p.Val714Phe)

Gene: PKHD1 (PKHD1 ciliary IPT domain containing fibrocystin/polyductin; minus strand). Cytogenetic location: 6p12.2.
Variant type: single nucleotide variant.
Coding change: c.2140G>T on transcript NM_138694.4 (MANE Select); coding-DNA position 2140, G replaced by T.
Protein change: p.Val714Phe; replaces valine 714 with phenylalanine.
Molecular consequence: missense variant.
Genome position (GRCh38, 1-based): chr6:52,053,076, C>A on the plus strand (G>T on the coding strand, the complement: PKHD1 is on the minus strand). VCF-style: chr6-52053076-C-A. GRCh37 (hg19) VCF-style: chr6-51917874-C-A.
Other names: c.2140G>T, p.Val714Phe (NM_170724.3); short protein forms V714F.
Identifiers: ClinVar variation 4536725 (VCV004536725.1).

ClinVar aggregate classification (germline): Uncertain significance (1 of 4 stars; one submission).

Submission:

Women's Health and Genetics/Laboratory Corporation of America, LabCorp
Classification: Uncertain significance. Last evaluated: 2025-11-13. Review status: criteria provided, single submitter. Criteria: LabCorp Variant Classification Summary - May 2015. Collection method: clinical testing. Allele origin: germline.
Comment: Variant summary: PKHD1 c.2140G>T (p.Val714Phe) results in a non-conservative amino acid change in the encoded protein sequence. Algorithms developed to predict the effect of missense changes on protein structure and function all suggest that this variant is likely to be disruptive. Several computational tools predict a significant impact on normal splicing: Four predict the variant abolishes a 5' splicing donor site. However, these predictions have yet to be confirmed by functional studies. The variant was absent in 251148 control chromosomes. The available data on variant occurrences in the general population are insufficient to allow any conclusion about variant significance. To our knowledge, no occurrence of c.2140G>T in individuals affected with PKHD1-related conditions and no experimental evidence demonstrating its impact on protein function have been reported. No submitters have cited clinical-significance assessments for this variant to ClinVar. Based on the evidence outlined above, the variant was classified as uncertain significance.